The following is an entry in ClinVar:

NM_198253.3(TERT):c.619G>T (p.Val207Phe)

Gene: TERT (telomerase reverse transcriptase; minus strand). Cytogenetic location: 5p15.33.
Variant type: single nucleotide variant.
Coding change: c.619G>T on transcript NM_198253.3 (MANE Select); coding-DNA position 619, G replaced by T.
Protein change: p.Val207Phe; replaces valine 207 with phenylalanine.
Molecular consequence: missense variant. On other transcripts: non-coding transcript variant (2).
Genome position (GRCh38, 1-based): chr5:1,294,267, C>A on the plus strand (G>T on the coding strand, the complement: TERT is on the minus strand). VCF-style: chr5-1294267-C-A. GRCh37 (hg19) VCF-style: chr5-1294382-C-A.
Other names: c.619G>T, p.Val207Phe (NM_001193376.3); short protein forms V207F.
Identifiers: ClinVar variation 4865480 (VCV004865480.1).

ClinVar aggregate classification (germline): Uncertain significance (1 of 4 stars; one submission).

Conditions:
Dyskeratosis congenita. Identifiers: Orphanet 1775, MedGen C0265965, MONDO:0015780.

Submission:

Ambry Genetics
Classification: Uncertain significance for Dyskeratosis congenita. Last evaluated: 2026-05-18. Review status: criteria provided, single submitter. Criteria: Ambry Variant Classification Scheme 2023. Collection method: clinical testing. Allele origin: germline.
Comment: The p.V207F variant (also known as c.619G>T), located in coding exon 2 of the TERT gene, results from a G to T substitution at nucleotide position 619. The valine at codon 207 is replaced by phenylalanine, an amino acid with highly similar properties. This amino acid position is conserved. In addition, this alteration is predicted to be tolerated by in silico analysis. Based on the available evidence, the clinical significance of this variant remains unclear.